The following is an entry in ClinVar:

ClinVar aggregate classification (germline): Pathogenic. Review status: criteria provided, multiple submitters, no conflicts (2 of 4 stars). 2 submissions from 2 submitters: Pathogenic (2). Last evaluated 2021-09-18.

Conditions:
Cardiovascular phenotype. Identifiers: MedGen CN230736.
Telangiectasia, hereditary hemorrhagic, type 2 (HHT2). Also called: ACVRL1-Related Hereditary Hemorrhagic Telangiectasia; Telangiectasia, hereditary hemorrhagic, type II. Identifiers: Orphanet 774, MedGen C1838163, MONDO:0010880, OMIM 600376. Disease mechanism: loss of function.

Submissions (2):

Labcorp Genetics (formerly Invitae), Labcorp
Classification: Pathogenic for Telangiectasia, hereditary hemorrhagic, type 2. Last evaluated: 2021-09-18. Review status: criteria provided, single submitter. Criteria: Invitae Variant Classification Sherloc (09022015). Collection method: clinical testing. Allele origin: germline.
Comment: This sequence change creates a premature translational stop signal (p.Thr450Profs*15) in the ACVRL1 gene. While this is not anticipated to result in nonsense mediated decay, it is expected to disrupt the last 54 amino acid(s) of the ACVRL1 protein. This variant is not present in population databases (ExAC no frequency). This variant has not been reported in the literature in individuals affected with ACVRL1-related conditions. This variant disrupts a region of the ACVRL1 protein in which other variant(s) (p.Gln490*) have been determined to be pathogenic (PMID: 11484689, 16429404, 24603890). This suggests that this is a clinically significant region of the protein, and that variants that disrupt it are likely to be disease-causing. For these reasons, this variant has been classified as Pathogenic.

Ambry Genetics
Classification: Pathogenic for Cardiovascular phenotype. Last evaluated: 2018-09-27. Review status: criteria provided, single submitter. Criteria: Ambry Variant Classification Scheme 2023. Collection method: clinical testing. Allele origin: germline.
Comment: The c.1347delC pathogenic mutation, located in coding exon 8 of the ACVRL1 gene, results from a deletion of one nucleotide at nucleotide position 1347, causing a translational frameshift with a predicted alternate stop codon (p.T450Pfs*15). This alteration is expected to result in loss of function by premature protein truncation or nonsense-mediated mRNA decay. As such, this alteration is interpreted as a disease-causing mutation.

Literature cited by the submitters: PubMed 11484689 (cited by Labcorp Genetics (formerly Invitae), Labcorp); PubMed 16429404 (cited by Labcorp Genetics (formerly Invitae), Labcorp); PubMed 24603890 (cited by Labcorp Genetics (formerly Invitae), Labcorp).

NM_000020.3(ACVRL1):c.1347del (p.Thr450fs)

Gene: ACVRL1 (activin A receptor like type 1; plus strand). Cytogenetic location: 12q13.13.
Variant type: Deletion.
Coding change: c.1347del on transcript NM_000020.3 (MANE Select); coding-DNA position 1347, one base deleted (C; older notation c.1347delC).
Protein change: p.Thr450fs; shifts the reading frame from threonine 450.
Molecular consequence: frameshift variant.
Genome position (GRCh38, 1-based): chr12:51,919,085, C deleted; the last of 5 consecutive C bases (chr12:51,919,081-51,919,085); deleting any one gives the same sequence. VCF-style (leftmost placement, unchanged base first): chr12-51919080-AC-A. GRCh37 (hg19) VCF-style: chr12-52312864-AC-A.
Other names: c.1347del, p.Thr450fs (NM_001077401.2); short protein forms T450fs.
Identifiers: ClinVar variation 1372770 (VCV001372770.8), dbSNP rs1940908396, ClinGen allele CA2573148787.